The following is an entry in ClinVar:

NM_000066.4(C8B):c.32C>T (p.Ala11Val)

Gene: C8B (complement C8 beta chain; minus strand). Cytogenetic location: 1p32.2.
Variant type: single nucleotide variant.
Coding change: c.32C>T on transcript NM_000066.4 (MANE Select); coding-DNA position 32, C replaced by T.
Protein change: p.Ala11Val; replaces alanine 11 with valine.
Molecular consequence: missense variant. On other transcripts: 5 prime UTR variant (2).
Genome position (GRCh38, 1-based): chr1:56,965,917, G>A on the plus strand (C>T on the coding strand, the complement: C8B is on the minus strand). VCF-style: chr1-56965917-G-A. GRCh37 (hg19) VCF-style: chr1-57431590-G-A.
Other names: c.-347C>T (NM_001278543.2); c.-284C>T (NM_001278544.2); short protein forms A11V.
Identifiers: ClinVar variation 1450919 (VCV001450919.4), dbSNP rs375318933, ClinGen allele CA876137.

ClinVar aggregate classification (germline): Uncertain significance (1 of 4 stars; one submission).

Allele frequency attached by ClinVar (database versions not stated): ExAC 0.00007; gnomAD 0.00007; gnomAD exomes 0.00007 and 0.00009; ESP Exome Variant Server 0.00008; TOPMed 0.00009; 1000 Genomes Project 30x 0.00016; 1000 Genomes Project 0.00020.
gnomAD v4.1: 136 of 1,613,914 alleles (0.0084%); highest among the groups gnomAD compares: African/African-American, 0.032%; no homozygotes.

Submission:

Labcorp Genetics (formerly Invitae), Labcorp
Classification: Uncertain significance. Last evaluated: 2023-12-11. Review status: criteria provided, single submitter. Criteria: Invitae Variant Classification Sherloc (09022015). Collection method: clinical testing. Allele origin: germline.
Comment: This sequence change replaces alanine, which is neutral and non-polar, with valine, which is neutral and non-polar, at codon 11 of the C8B protein (p.Ala11Val). This variant is present in population databases (rs375318933, gnomAD 0.03%). This variant has not been reported in the literature in individuals affected with C8B-related conditions. ClinVar contains an entry for this variant (Variation ID: 1450919). Algorithms developed to predict the effect of missense changes on protein structure and function output the following: SIFT: "Not Available"; PolyPhen-2: "Benign"; Align-GVGD: "Not Available". The valine amino acid residue is found in multiple mammalian species, which suggests that this missense change does not adversely affect protein function. In summary, the available evidence is currently insufficient to determine the role of this variant in disease. Therefore, it has been classified as a Variant of Uncertain Significance.